The following is an entry in ClinVar:

NM_021978.4(ST14):c.1346C>T (p.Ser449Phe)

Gene: ST14 (ST14 transmembrane serine protease matriptase; plus strand). Cytogenetic location: 11q24.3.
Variant type: single nucleotide variant.
Coding change: c.1346C>T on transcript NM_021978.4 (MANE Select); coding-DNA position 1346, C replaced by T.
Protein change: p.Ser449Phe; replaces serine 449 with phenylalanine.
Molecular consequence: missense variant.
Genome position (GRCh38, 1-based): chr11:130,196,692, C>T. VCF-style: chr11-130196692-C-T. GRCh37 (hg19) VCF-style: chr11-130066587-C-T.
Other names: short protein forms S449F.
Identifiers: ClinVar variation 1878747 (VCV001878747.7), dbSNP rs777342350, ClinGen allele CA6364007.

ClinVar aggregate classification (germline): Uncertain significance. Review status: criteria provided, multiple submitters, no conflicts (2 of 4 stars). 3 submissions from 3 submitters: Uncertain significance (3). Last evaluated 2022-06-27.

Conditions:
Inborn genetic diseases. Identifiers: MedGen C0950123, MeSH D030342.

Allele frequency attached by ClinVar (database versions not stated): TOPMed 0.00003; gnomAD 0.00004; ExAC 0.00007.

Submissions (3):

GeneDx
Classification: Uncertain significance. Last evaluated: 2022-06-27. Review status: criteria provided, single submitter. Criteria: GeneDx Variant Classification Process June 2021. Collection method: clinical testing. Allele origin: germline. Affected: yes.
Comment: Has not been previously published as pathogenic or benign to our knowledge; In silico analysis supports that this missense variant does not alter protein structure/function

Labcorp Genetics (formerly Invitae), Labcorp
Classification: Uncertain significance. Last evaluated: 2022-04-29. Review status: criteria provided, single submitter. Criteria: Invitae Variant Classification Sherloc (09022015). Collection method: clinical testing. Allele origin: germline.
Comment: In summary, the available evidence is currently insufficient to determine the role of this variant in disease. Therefore, it has been classified as a Variant of Uncertain Significance. Algorithms developed to predict the effect of missense changes on protein structure and function are either unavailable or do not agree on the potential impact of this missense change (SIFT: "Deleterious"; PolyPhen-2: "Possibly Damaging"; Align-GVGD: "Class C15"). This variant has not been reported in the literature in individuals affected with ST14-related conditions. This variant is present in population databases (rs777342350, gnomAD 0.02%). This sequence change replaces serine, which is neutral and polar, with phenylalanine, which is neutral and non-polar, at codon 449 of the ST14 protein (p.Ser449Phe).

Ambry Genetics
Classification: Uncertain significance for Inborn genetic diseases. Last evaluated: 2022-01-10. Review status: criteria provided, single submitter. Criteria: Ambry Variant Classification Scheme 2023. Collection method: clinical testing. Allele origin: germline.